The following is an entry in ClinVar:

NM_025179.4(PLXNA2):c.2781C>T (p.Ser927=)

Gene: PLXNA2 (plexin A2; minus strand). Cytogenetic location: 1q32.2.
Variant type: single nucleotide variant.
Coding change: c.2781C>T on transcript NM_025179.4 (MANE Select); coding-DNA position 2781, C replaced by T.
Protein change: p.Ser927=; no amino-acid change (serine 927 retained).
Molecular consequence: synonymous variant.
Genome position (GRCh38, 1-based): chr1:208,054,496, G>A on the plus strand (C>T on the coding strand, the complement: PLXNA2 is on the minus strand). VCF-style: chr1-208054496-G-A. GRCh37 (hg19) VCF-style: chr1-208227841-G-A.
Other names: c.2781C>T (NM_025179.3).
Identifiers: ClinVar variation 2170054 (VCV002170054.6), dbSNP rs375794085, ClinGen allele CA1373402.

ClinVar aggregate classification (germline): Likely benign. Review status: criteria provided, single submitter (1 of 4 stars). 2 submissions from 2 submitters: Likely benign (1). 1 of the submissions does not count toward it. Last evaluated 2025-11-23.

Conditions:
PLXNA2-related disorder. Also called: PLXNA2-related condition.

Allele frequency attached by ClinVar (database versions not stated): gnomAD 0.00006; ExAC 0.00008; ESP Exome Variant Server 0.00008; TOPMed 0.00013.
gnomAD v4.1: 69 of 1,614,124 alleles (0.0043%); highest among the groups gnomAD compares: Admixed American, 0.017%; no homozygotes.

Submissions (2):

Labcorp Genetics (formerly Invitae), Labcorp
Classification: Likely benign. Last evaluated: 2025-11-23. Review status: criteria provided, single submitter. Criteria: Invitae Variant Classification Sherloc (09022015). Collection method: clinical testing. Allele origin: germline.

PreventionGenetics, part of Exact Sciences
Classification: Likely benign for PLXNA2-related condition. Last evaluated: 2021-10-19. Review status: no assertion criteria provided. Collection method: clinical testing. Allele origin: germline. Not counted in ClinVar's aggregate classification.
Comment: This variant is classified as likely benign based on ACMG/AMP sequence variant interpretation guidelines (Richards et al. 2015 PMID: 25741868, with internal and published modifications).